The following is an entry in ClinVar:

ClinVar aggregate classification (germline): Likely pathogenic. Review status: criteria provided, single submitter (1 of 4 stars). 2 submissions from 2 submitters: Likely pathogenic (1). 1 of the submissions does not count toward it. Last evaluated 2021-10-22.

Conditions:
Autosomal dominant childhood-onset proximal spinal muscular atrophy without contractures. Also called: KUGELBERG-WELANDER SYNDROME, AUTOSOMAL DOMINANT; SPINAL MUSCULAR ATROPHY, CHILDHOOD, PROXIMAL, AUTOSOMAL DOMINANT; Spinal muscular atrophy, lower extremity-predominant 1, AD; SPINAL MUSCULAR ATROPHY, JUVENILE, PROXIMAL, AUTOSOMAL DOMINANT. Identifiers: Orphanet 209341, Orphanet 363447, MedGen C5780022, MONDO:0008026, OMIM 158600.
Abnormality of neuronal migration. Identifiers: MedGen C1837249, HP:0002269.

Submissions (2):

Foundation for Research in Genetics and Endocrinology, FRIGE's Institute of Human Genetics
Classification: Likely pathogenic for Autosomal dominant childhood-onset proximal spinal muscular atrophy without contractures. Last evaluated: 2021-10-22. Review status: criteria provided, single submitter. Criteria: ACMG Guidelines, 2015. Collection method: clinical testing. Allele origin: germline. Inheritance: Autosomal dominant inheritance. Affected: yes. Observed: 1 heterozygote.
Comment: A heterozygous missense variation in exon 8 of the DYNC1H1 gene that results in the amino acid substitution of Glutamic acid for Lysine at codon580 was detected. The observed variant c.1738G>A;(p.Glu580Lys) is not been reported in the 1000 genomes and gnomAD databases. The in-silico prediction of the variant is benign by PolyPhen-2 (HumDiv) and damaging by SIFT and LRT. The reference codon is conserved across species. In summary, the variant meets our criteria to be classified as a variant of uncertain significance.

Génétique et pathophysiologie de maladies neurodéveloppementales et épileptogènes, Institut de génétique et de biologie moléculaire et cellulaire
Classification: Pathogenic for Malformation of Cortical Development. Last evaluated: 2014-10-31. Review status: no assertion criteria provided. Collection method: clinical testing. Allele origin: de novo. Affected: yes. Observed: 2 variant alleles, 1 heterozygote. Not counted in ClinVar's aggregate classification.

NM_001376.5(DYNC1H1):c.1738G>A (p.Glu580Lys)

Gene: DYNC1H1 (dynein cytoplasmic 1 heavy chain 1; plus strand). Cytogenetic location: 14q32.31.
Variant type: single nucleotide variant.
Coding change: c.1738G>A on transcript NM_001376.5 (MANE Select); coding-DNA position 1738, G replaced by A.
Protein change: p.Glu580Lys; replaces glutamic acid 580 with lysine.
Molecular consequence: missense variant.
Genome position (GRCh38, 1-based): chr14:101,985,963, G>A. VCF-style: chr14-101985963-G-A. GRCh37 (hg19) VCF-style: chr14-102452300-G-A.
Other names: p.Glu580lys; short protein forms E580K.
Identifiers: ClinVar variation 208862 (VCV000208862.3), dbSNP rs863223361, ClinGen allele CA279255.
Genomic context (GRCh38, chr14:101,985,963, plus strand): 5'-GTGGAGACCCGGATCACCGCTCGCCTTCGGGATCAGCTTGGCACAGCCAAGAATGCCAAC[G>A]AGATGTTTAGGATTTTCTCCAGGTTTAATGCACTGTTTGTCAGGCCTCACATCCGTGGGG-3'
Protein context (NP_001367.2, residues 570-590): DQLGTAKNAN[Glu580Lys]MFRIFSRFNA